The following is an entry in ClinVar:

NM_002485.5(NBN):c.1434C>A (p.Cys478Ter)

Gene: NBN (nibrin; minus strand). Cytogenetic location: 8q21.3.
Variant type: single nucleotide variant.
Coding change: c.1434C>A on transcript NM_002485.5 (MANE Select); coding-DNA position 1434, C replaced by A.
Protein change: p.Cys478Ter; replaces cysteine 478 with a stop codon.
Molecular consequence: nonsense.
Genome position (GRCh38, 1-based): chr8:89,953,655, G>T on the plus strand (C>A on the coding strand, the complement: NBN is on the minus strand). VCF-style: chr8-89953655-G-T. GRCh37 (hg19) VCF-style: chr8-90965883-G-T.
Other names: c.1188C>A, p.Cys396Ter (NM_001024688.3); short protein forms C478*, C396*.
Identifiers: ClinVar variation 2036090 (VCV002036090.4), dbSNP rs1060503473, ClinGen allele CA371655857.
Genomic context (GRCh38, chr8:89,953,655, plus strand): 5'-GGGTGTAGCAGGTTGTGTTTGTTCTAAAAGAGAACAAGACGTTTCTATTCTTGCTGATTT[G>T]CATGAAGACATTTCTTGATTTTCTTCATCCCTTTCCCTTAGATTTAAAAAAAAAGAAGAA-3'

ClinVar aggregate classification (germline): Pathogenic (1 of 4 stars; one submission).

Conditions:
Microcephaly, normal intelligence and immunodeficiency (NBS). Also called: SEEMANOVA SYNDROME II; BERLIN BREAKAGE SYNDROME; Nijmegen breakage syndrome; Microcephaly with normal intelligence immunodeficiency and lymphoreticular malignancies; Nonsyndromal microcephaly autosomal recessive with normal intelligence; Seemanova syndrome 2. Identifiers: Orphanet 647, MedGen C0398791, MONDO:0009623, OMIM 251260.

Submission:

Labcorp Genetics (formerly Invitae), Labcorp
Classification: Pathogenic for Microcephaly, normal intelligence and immunodeficiency. Last evaluated: 2022-10-19. Review status: criteria provided, single submitter. Criteria: Invitae Variant Classification Sherloc (09022015). Collection method: clinical testing. Allele origin: germline.
Comment: This sequence change creates a premature translational stop signal (p.Cys478*) in the NBN gene. It is expected to result in an absent or disrupted protein product. Loss-of-function variants in NBN are known to be pathogenic (PMID: 9590180, 16415040). This variant is not present in population databases (gnomAD no frequency). This variant has not been reported in the literature in individuals affected with NBN-related conditions. For these reasons, this variant has been classified as Pathogenic.

Literature cited by the submitters: PubMed 9590180; PubMed 16415040.